The following is an entry in ClinVar:

NM_001184.4(ATR):c.2014G>A (p.Val672Ile)

Gene: ATR (ATR checkpoint kinase; minus strand). Cytogenetic location: 3q23.
Variant type: single nucleotide variant.
Coding change: c.2014G>A on transcript NM_001184.4 (MANE Select); coding-DNA position 2014, G replaced by A.
Protein change: p.Val672Ile; replaces valine 672 with isoleucine.
Molecular consequence: missense variant.
Genome position (GRCh38, 1-based): chr3:142,556,447, C>T on the plus strand (G>A on the coding strand, the complement: ATR is on the minus strand). VCF-style: chr3-142556447-C-T. GRCh37 (hg19) VCF-style: chr3-142275289-C-T.
Other names: c.1822G>A, p.Val608Ile (NM_001354579.2); short protein forms V608I, V672I.
Identifiers: ClinVar variation 1784453 (VCV001784453.7), dbSNP rs776097028, ClinGen allele CA2650453.
Genomic context (GRCh38, chr3:142,556,447, plus strand): 5'-GAATCTTGGGAACTCTGTTACAAGAATTCTGCTGCTGCAATAAGATAAAAAATCCACTAA[C>T]ACAACTAGCCCGGATTACTTCATGGGAGCTCTGCAGGGCCCAGTTGTAAACTGCTGTTCT-3'
Protein context (NP_001175.2, residues 662-682): SSHEVIRASC[Val672Ile]SGFFILLQQQ

ClinVar aggregate classification (germline): Uncertain significance. Review status: criteria provided, multiple submitters, no conflicts (2 of 4 stars). 2 submissions from 2 submitters: Uncertain significance (2). Last evaluated 2025-08-18.

Conditions:
Inborn genetic diseases. Identifiers: MedGen C0950123, MeSH D030342.

Allele frequency attached by ClinVar (database versions not stated): ExAC 0.00001; gnomAD 0.00001; gnomAD exomes 0.00001; TOPMed 0.00069.
gnomAD v4.1: 79 of 1,613,992 alleles (0.0049%); highest among the groups gnomAD compares: South Asian, 0.012%; 3 homozygotes.

Submissions (2):

Labcorp Genetics (formerly Invitae), Labcorp
Classification: Uncertain significance. Last evaluated: 2025-08-18. Review status: criteria provided, single submitter. Criteria: Invitae Variant Classification Sherloc (09022015). Collection method: clinical testing. Allele origin: germline.
Comment: This sequence change replaces valine, which is neutral and non-polar, with isoleucine, which is neutral and non-polar, at codon 672 of the ATR protein (p.Val672Ile). This variant is present in population databases (rs776097028, gnomAD 0.02%). This variant has not been reported in the literature in individuals affected with ATR-related conditions. ClinVar contains an entry for this variant (Variation ID: 1784453). An algorithm developed to predict the effect of missense changes on protein structure and function outputs the following: PolyPhen-2: "Benign". The isoleucine amino acid residue is found in multiple mammalian species, which suggests that this missense change does not adversely affect protein function. In summary, the available evidence is currently insufficient to determine the role of this variant in disease. Therefore, it has been classified as a Variant of Uncertain Significance.

Ambry Genetics
Classification: Uncertain significance for Inborn genetic diseases. Last evaluated: 2025-04-25. Review status: criteria provided, single submitter. Criteria: Ambry Variant Classification Scheme 2023. Collection method: clinical testing. Allele origin: germline.